The following is an entry in ClinVar:

ClinVar aggregate classification (germline): Conflicting classifications of pathogenicity. Review status: criteria provided, conflicting classifications (1 of 4 stars). 6 submissions from 4 submitters: Uncertain significance (5); Likely benign (1). Last evaluated 2025-09-30.

Conditions:
DE SANCTIS-CACCHIONE SYNDROME. Identifiers: MedGen C0265201, MONDO:0010217, OMIM 278800.
Age related macular degeneration 5. Identifiers: MedGen C3151063, MONDO:0013409, OMIM 613761.
Cerebrooculofacioskeletal syndrome 1 (COFS1). Also called: Cerebro-oculo-facio-skeletal syndrome 1. Identifiers: MedGen C0220722, MONDO:0008955, OMIM 214150.
Cockayne syndrome type 2 (CSB). Also called: Cockayne Syndrome, Type II; COCKAYNE SYNDROME B. Identifiers: Orphanet 191, Orphanet 90322, MedGen C0751038, MONDO:0019570, OMIM 133540.
Premature ovarian failure 11 (POF11). Identifiers: MedGen C4310783, MONDO:0014843, OMIM 616946.
UV-sensitive syndrome 1 (UVSS1). Identifiers: Orphanet 178338, MedGen C3551173, MONDO:0010909, OMIM 600630.
Lung cancer. Also called: Malignant tumor of lung; Lung cancer, somatic. Identifiers: MedGen C0242379, MONDO:0008903, OMIM 211980.

Allele frequency attached by ClinVar (database versions not stated): gnomAD exomes 0.00003 and 0.00006; gnomAD 0.00005; TOPMed 0.00005; ESP Exome Variant Server 0.00008; ExAC 0.00010.
gnomAD v4.1: 55 of 1,614,010 alleles (0.0034%); highest among the groups gnomAD compares: Non-Finnish European, 0.00017%; no homozygotes.

Submissions (6):

Labcorp Genetics (formerly Invitae), Labcorp
Classification: Likely benign. Last evaluated: 2025-09-30. Review status: criteria provided, single submitter. Criteria: Invitae Variant Classification Sherloc (09022015). Collection method: clinical testing. Allele origin: germline.

Fulgent Genetics
Classification: Uncertain significance for Cockayne syndrome type 2; Lung cancer; Cerebrooculofacioskeletal syndrome 1; DE SANCTIS-CACCHIONE SYNDROME; UV-sensitive syndrome 1; Age related macular degeneration 5; Premature ovarian failure 11. Last evaluated: 2021-11-12. Review status: criteria provided, single submitter. Criteria: ACMG Guidelines, 2015. Collection method: clinical testing. Allele origin: unknown.

Ocular Genomics Institute, Massachusetts Eye and Ear
Classification: Uncertain significance for Cockayne syndrome type 2. Last evaluated: 2021-04-08. Review status: criteria provided, single submitter. Criteria: ACMG Guidelines, 2015. Collection method: research. Allele origin: germline. Affected: yes.
Comment: Through a review of available evidence we were able to apply the following criteria: PM2. Based on this evidence we have classified this variant as Variant of Uncertain Significance.

Illumina Laboratory Services, Illumina
Classification: Uncertain significance for Age related macular degeneration 5. Last evaluated: 2018-01-13. Review status: criteria provided, single submitter. Criteria: ICSL Variant Classification Criteria 13 December 2019. Collection method: clinical testing. Allele origin: germline.

Illumina Laboratory Services, Illumina
Classification: Uncertain significance for Cerebrooculofacioskeletal syndrome 1. Last evaluated: 2018-01-13. Review status: criteria provided, single submitter. Criteria: ICSL Variant Classification Criteria 13 December 2019. Collection method: clinical testing. Allele origin: germline.

Illumina Laboratory Services, Illumina
Classification: Uncertain significance for Cockayne syndrome type 2. Last evaluated: 2018-01-13. Review status: criteria provided, single submitter. Criteria: ICSL Variant Classification Criteria 13 December 2019. Collection method: clinical testing. Allele origin: germline.

NM_000124.4(ERCC6):c.2989A>G (p.Lys997Glu)

Gene: ERCC6 (ERCC excision repair 6, chromatin remodeling factor; minus strand). Cytogenetic location: 10q11.23.
Variant type: single nucleotide variant.
Coding change: c.2989A>G on transcript NM_000124.4 (MANE Select); coding-DNA position 2989, A replaced by G.
Protein change: p.Lys997Glu; replaces lysine 997 with glutamic acid.
Molecular consequence: missense variant.
Genome position (GRCh38, 1-based): chr10:49,471,056, T>C on the plus strand (A>G on the coding strand, the complement: ERCC6 is on the minus strand). VCF-style: chr10-49471056-T-C. GRCh37 (hg19) VCF-style: chr10-50679102-T-C.
Other names: c.2989A>G, p.Lys997Glu (NM_001346440.2); short protein forms K997E.
Identifiers: ClinVar variation 300055 (VCV000300055.11), dbSNP rs375181157, ClinGen allele CA5495457.